The following is an entry in ClinVar:

NM_000465.4(BARD1):c.1811-9G>T

Gene: BARD1 (BRCA1 associated RING domain 1; minus strand). Cytogenetic location: 2q35.
Variant type: single nucleotide variant.
Coding change: c.1811-9G>T on transcript NM_000465.4 (MANE Select); 9 bases into the intron before coding-DNA position 1811, G replaced by T.
Molecular consequence: intron variant.
Genome position (GRCh38, 1-based): chr2:214,745,168, C>A on the plus strand (G>T on the coding strand, the complement: BARD1 is on the minus strand). VCF-style: chr2-214745168-C-A. GRCh37 (hg19) VCF-style: chr2-215609892-C-A.
Other names: c.401-9G>T (NM_001282548.2); c.1754-9G>T (NM_001282543.2); c.458-9G>T (NM_001282545.2); c.365-14660G>T (NM_001282549.2).
Identifiers: ClinVar variation 3378828 (VCV003378828.1).

ClinVar aggregate classification (germline): Likely benign (1 of 4 stars; one submission).

Conditions:
Familial cancer of breast. Also called: hereditary breast carcinoma; Hereditary breast cancer; BREAST CANCER, FAMILIAL. Identifiers: Orphanet 227535, MedGen C0346153, MONDO:0016419, OMIM 114480. Disease mechanism: loss of function.

Submission:

Myriad Genetics, Inc.
Classification: Likely benign for Familial cancer of breast. Last evaluated: 2024-07-26. Review status: criteria provided, single submitter. Criteria: Myriad Autosomal Dominant, Autosomal Recessive and X-Linked Classification Criteria (2023). Collection method: clinical testing. Allele origin: unknown.
Comment: This variant is considered likely benign. This variant is intronic and is not expected to impact mRNA splicing.